The following is an entry in ClinVar:

ClinVar aggregate classification (germline): Uncertain significance (1 of 4 stars; one submission).

Conditions:
Kabuki syndrome. Also called: Kabuki make-up syndrome; NIIKAWA-KUROKI SYNDROME. Identifiers: Orphanet 2322, MedGen C0796004, MONDO:0016512.

Submission:

Labcorp Genetics (formerly Invitae), Labcorp
Classification: Uncertain significance for Kabuki syndrome. Last evaluated: 2020-11-23. Review status: criteria provided, single submitter. Criteria: Invitae Variant Classification Sherloc (09022015). Collection method: clinical testing. Allele origin: germline.
Comment: In summary, the available evidence is currently insufficient to determine the role of this variant in disease. Therefore, it has been classified as a Variant of Uncertain Significance. Advanced modeling of protein sequence and biophysical properties (such as structural, functional, and spatial information, amino acid conservation, physicochemical variation, residue mobility, and thermodynamic stability) performed at Invitae indicates that this missense variant is not expected to disrupt KMT2D protein function. This variant has not been reported in the literature in individuals with KMT2D-related conditions. This variant is not present in population databases (ExAC no frequency). This sequence change replaces serine with cysteine at codon 892 of the KMT2D protein (p.Ser892Cys). The serine residue is weakly conserved and there is a moderate physicochemical difference between serine and cysteine.

NM_003482.4(KMT2D):c.2675C>G (p.Ser892Cys)

Gene: KMT2D (lysine methyltransferase 2D; minus strand). Cytogenetic location: 12q13.12.
Variant type: single nucleotide variant.
Coding change: c.2675C>G on transcript NM_003482.4 (MANE Select); coding-DNA position 2675, C replaced by G.
Protein change: p.Ser892Cys; replaces serine 892 with cysteine.
Molecular consequence: missense variant.
Genome position (GRCh38, 1-based): chr12:49,051,008, G>C on the plus strand (C>G on the coding strand, the complement: KMT2D is on the minus strand). VCF-style: chr12-49051008-G-C. GRCh37 (hg19) VCF-style: chr12-49444791-G-C.
Other names: short protein forms S892C.
Identifiers: ClinVar variation 1516863 (VCV001516863.8), dbSNP rs1760453299, ClinGen allele CA384664918.